The following is an entry in ClinVar:

NM_000057.4(BLM):c.3692_3693del (p.Lys1231fs)

Gene: BLM (BLM RecQ like helicase; plus strand). Cytogenetic location: 15q26.1.
Variant type: Deletion.
Coding change: c.3692_3693del on transcript NM_000057.4 (MANE Select); coding-DNA positions 3692 to 3693, 2 bases deleted (AA; older notation c.3692_3693delAA).
Protein change: p.Lys1231fs; shifts the reading frame from lysine 1231.
Molecular consequence: frameshift variant. On other transcripts: intron variant (1).
Genome position (GRCh38, 1-based): chr15:90,804,300-90,804,301, AA deleted; deleting any 2 consecutive bases within chr15:90,804,299-90,804,301 gives the same sequence; the c. name uses the placement nearest the transcript's 3' end. VCF-style (leftmost placement, unchanged base first): chr15-90804298-GAA-G. GRCh37 (hg19) VCF-style: chr15-91347528-GAA-G.
Other names: c.3692_3693del (NM_000057.3); c.3692_3693del, p.Lys1231fs (NM_001287246.2); c.2567_2568del, p.Lys856fs (NM_001287248.2); c.3359-4837_3359-4836del (NM_001287247.2); short protein forms K1231fs, K856fs.
Identifiers: ClinVar variation 555115 (VCV000555115.10), dbSNP rs1234064430, ClinGen allele CA619860793.

ClinVar aggregate classification (germline): Pathogenic. Review status: criteria provided, single submitter (1 of 4 stars). 2 submissions from 2 submitters: Pathogenic (1). 1 of the submissions does not count toward it. Last evaluated 2019-09-14.

Conditions:
Bloom syndrome (BLM). Also called: Bloom-Torre-Machacek syndrome. Identifiers: Orphanet 125, MedGen C0005859, MONDO:0008876, OMIM 210900.

Submissions (2):

Labcorp Genetics (formerly Invitae), Labcorp
Classification: Pathogenic for Bloom syndrome. Last evaluated: 2019-09-14. Review status: criteria provided, single submitter. Criteria: Invitae Variant Classification Sherloc (09022015). Collection method: clinical testing. Allele origin: germline.
Comment: This sequence change creates a premature translational stop signal (p.Lys1231Serfs*11) in the BLM gene. It is expected to result in an absent or disrupted protein product. This variant is not present in population databases (ExAC no frequency). This variant has not been reported in the literature in individuals with BLM-related conditions. ClinVar contains an entry for this variant (Variation ID: 555115). Loss-of-function variants in BLM are known to be pathogenic (PMID: 17407155). For these reasons, this variant has been classified as Pathogenic.

Counsyl
Classification: Likely pathogenic for Bloom syndrome. Last evaluated: 2017-11-22. Review status: no assertion criteria provided. Collection method: clinical testing. Allele origin: unknown. Not counted in ClinVar's aggregate classification.

Literature cited by the submitters: PubMed 17407155 (cited by Labcorp Genetics (formerly Invitae), Labcorp).